The following is an entry in ClinVar:

NM_000159.4(GCDH):c.1016T>G (p.Met339Arg)

Gene: GCDH (glutaryl-CoA dehydrogenase; plus strand). Cytogenetic location: 19p13.13.
Variant type: single nucleotide variant.
Coding change: c.1016T>G on transcript NM_000159.4 (MANE Select); coding-DNA position 1016, T replaced by G.
Protein change: p.Met339Arg; replaces methionine 339 with arginine.
Molecular consequence: missense variant. On other transcripts: non-coding transcript variant (2).
Genome position (GRCh38, 1-based): chr19:12,897,362, T>G. VCF-style: chr19-12897362-T-G. GRCh37 (hg19) VCF-style: chr19-13008176-T-G.
Other names: c.1016T>G, p.Met339Arg (NM_013976.5); short protein forms M339R.
Identifiers: ClinVar variation 3631846 (VCV003631846.2).

ClinVar aggregate classification (germline): Likely pathogenic (1 of 4 stars; one submission).

Conditions:
Glutaric aciduria, type 1. Also called: Glutaricacidemia Type 1; Glutaricaciduria, type I; Glutaric Acidemia Type 1; GA I; Glutaryl-CoA dehydrogenase deficiency; Glutaric acidemia type I. Identifiers: Orphanet 25, MedGen C0268595, MONDO:0009281, OMIM 231670.

gnomAD v4.1: 1 of 1,613,526 alleles (0.000062%); highest among the groups gnomAD compares: African/African-American, 0.0013%; no homozygotes.

Submission:

Labcorp Genetics (formerly Invitae), Labcorp
Classification: Likely pathogenic for Glutaric aciduria, type 1. Last evaluated: 2024-09-03. Review status: criteria provided, single submitter. Criteria: Invitae Variant Classification Sherloc (09022015). Collection method: clinical testing. Allele origin: germline.
Comment: This sequence change replaces methionine, which is neutral and non-polar, with arginine, which is basic and polar, at codon 339 of the GCDH protein (p.Met339Arg). This variant is present in population databases (no rsID available, gnomAD 0.01%). This missense change has been observed in individual(s) with glutaric acidemia (internal data). In at least one individual the data is consistent with being in trans (on the opposite chromosome) from a pathogenic variant. Invitae Evidence Modeling of protein sequence and biophysical properties (such as structural, functional, and spatial information, amino acid conservation, physicochemical variation, residue mobility, and thermodynamic stability) indicates that this missense variant is expected to disrupt GCDH protein function with a positive predictive value of 80%. This variant disrupts the p.Met339 amino acid residue in GCDH. Other variant(s) that disrupt this residue have been determined to be pathogenic (PMID: 9856558, 21176883, 34504725). This suggests that this residue is clinically significant, and that variants that disrupt this residue are likely to be disease-causing. In summary, the currently available evidence indicates that the variant is pathogenic, but additional data are needed to prove that conclusively. Therefore, this variant has been classified as Likely Pathogenic.

Literature cited by the submitters: PubMed 9856558; PubMed 21176883; PubMed 34504725.